The following is an entry in ClinVar:

NM_000138.5(FBN1):c.1670G>A (p.Cys557Tyr)

Gene: FBN1 (fibrillin 1; minus strand). Cytogenetic location: 15q21.1.
Variant type: single nucleotide variant.
Coding change: c.1670G>A on transcript NM_000138.5 (MANE Select); coding-DNA position 1670, G replaced by A.
Protein change: p.Cys557Tyr; replaces cysteine 557 with tyrosine.
Molecular consequence: missense variant.
Genome position (GRCh38, 1-based): chr15:48,510,088, C>T on the plus strand (G>A on the coding strand, the complement: FBN1 is on the minus strand). VCF-style: chr15-48510088-C-T. GRCh37 (hg19) VCF-style: chr15-48802285-C-T.
Other names: short protein forms C557Y.
Identifiers: ClinVar variation 381611 (VCV000381611.15), dbSNP rs1057521102, ClinGen allele CA16606733.

ClinVar aggregate classification (germline): Pathogenic. Review status: criteria provided, multiple submitters, no conflicts (2 of 4 stars). 4 submissions from 4 submitters: Pathogenic (3). 1 of the submissions does not count toward it. Last evaluated 2025-12-09.

Conditions:
Marfan syndrome (MFS). Also called: Marfan syndrome, classic; Marfan syndrome type 1; Marfan's syndrome; MARFAN SYNDROME, TYPE I; FBN1-Related Marfan Syndrome. Identifiers: Orphanet 284963, Orphanet 558, MedGen C0024796, MONDO:0007947, OMIM 154700.
Familial thoracic aortic aneurysm and aortic dissection (TAAD). Also called: Thoracic aortic aneurysms and dissections. Identifiers: Orphanet 91387, MedGen C4707243, MONDO:0019625.
FBN1-related disorder. Also called: FBN1-related disorders.

Submissions (4):

GeneDx
Classification: Pathogenic. Last evaluated: 2025-12-09. Review status: criteria provided, single submitter. Criteria: GeneDx Variant Classification Process June 2021. Collection method: clinical testing. Allele origin: germline. Affected: yes.
Comment: Not observed at significant frequency in large population cohorts (gnomAD); In silico analysis supports that this missense variant has a deleterious effect on protein structure/function; Affects a cysteine residue within a calcium-binding EGF-like domain of the FBN1 gene, which may affect disulfide bonding and is predicted to alter the structure and function of the protein; cysteine substitutions in the calcium-binding EGF-like domains represent the majority of pathogenic missense changes associated with FBN1-related disorders (PMID: 12938084); This variant is associated with the following publications: (PMID: 12938084, 16905551, 19349279, 16571647, 17701892, 31730815, 34818515, 34550612, 19293843, 36729443, 34281902)

Labcorp Genetics (formerly Invitae), Labcorp
Classification: Pathogenic for Marfan syndrome; Familial thoracic aortic aneurysm and aortic dissection. Last evaluated: 2024-07-21. Review status: criteria provided, single submitter. Criteria: Invitae Variant Classification Sherloc (09022015). Collection method: clinical testing. Allele origin: germline.
Comment: This sequence change replaces cysteine, which is neutral and slightly polar, with tyrosine, which is neutral and polar, at codon 557 of the FBN1 protein (p.Cys557Tyr). This variant is not present in population databases (gnomAD no frequency). This missense change has been observed in individual(s) with Marfan syndrome (PMID: 19293843). ClinVar contains an entry for this variant (Variation ID: 381611). Advanced modeling of protein sequence and biophysical properties (such as structural, functional, and spatial information, amino acid conservation, physicochemical variation, residue mobility, and thermodynamic stability) performed at Invitae indicates that this missense variant is expected to disrupt FBN1 protein function with a positive predictive value of 95%. This variant affects a cysteine residue in the EGF-like, TGFBP or hybrid motif domains of FBN1. Cysteine residues are believed to be involved in intramolecular disulfide bridges and have been shown to be important for FBN1 protein structure (PMID: 16905551, 19349279). In addition, missense substitutions affecting cysteine residues within these domains are significantly overrepresented among patients with Marfan syndrome (PMID: 16571647, 17701892). For these reasons, this variant has been classified as Pathogenic.

Blueprint Genetics
Classification: Pathogenic for FBN1-related disorders. Last evaluated: 2024-04-03. Review status: criteria provided, single submitter. Criteria: ACMG Guidelines, 2015. Collection method: clinical testing. Allele origin: germline. Affected: yes. Observed: 1 variant allele.

Center for Medical Genetics Ghent, University of Ghent
Classification: Likely pathogenic for Marfan syndrome. Last evaluated: 2017-11-07. Review status: no assertion criteria provided. Collection method: clinical testing. Allele origin: germline. Affected: yes. Not counted in ClinVar's aggregate classification.

Literature cited by the submitters: PubMed 19293843 (cited by Labcorp Genetics (formerly Invitae), Labcorp); PubMed 16905551 (cited by Labcorp Genetics (formerly Invitae), Labcorp); PubMed 19349279 (cited by Labcorp Genetics (formerly Invitae), Labcorp); PubMed 16571647 (cited by Labcorp Genetics (formerly Invitae), Labcorp); PubMed 17701892 (cited by Labcorp Genetics (formerly Invitae), Labcorp).